The following is an entry in ClinVar:

NM_001377304.1(GFI1B):c.260G>A (p.Arg87Gln)

Gene: GFI1B (growth factor independent 1B transcriptional repressor; plus strand). Cytogenetic location: 9q34.13.
Variant type: single nucleotide variant.
Coding change: c.260G>A on transcript NM_001377304.1 (MANE Select); coding-DNA position 260, G replaced by A.
Protein change: p.Arg87Gln; replaces arginine 87 with glutamine.
Molecular consequence: missense variant.
Genome position (GRCh38, 1-based): chr9:132,988,218, G>A. VCF-style: chr9-132988218-G-A. GRCh37 (hg19) VCF-style: chr9-135863605-G-A.
Other names: c.260G>A, p.Arg87Gln (NM_001135031.2, NM_001371908.1, NM_001377305.1 and 1 more transcripts); short protein forms R87Q.
Identifiers: ClinVar variation 4977513 (VCV004977513.1).

ClinVar aggregate classification (germline): Uncertain significance (1 of 4 stars; one submission).

Conditions:
GFI1B-related disorder. Also called: GFI1B-related condition.

gnomAD v4.1: 54 of 1,613,808 alleles (0.0033%); highest among the groups gnomAD compares: Admixed American, 0.0067%; no homozygotes.

Submission:

PreventionGenetics, part of Exact Sciences
Classification: Uncertain significance for GFI1B-related condition. Last evaluated: 2025-05-01. Review status: criteria provided, single submitter. Criteria: ACMG Guidelines, 2015. Collection method: clinical testing. Allele origin: germline.
Comment: The GFI1B c.260G>A variant is predicted to result in the amino acid substitution p.Arg87Gln. To our knowledge, this variant has not been reported in the literature. This variant is reported in 0.0085% of alleles in individuals of Latino descent in gnomAD. At this time, the clinical significance of this variant is uncertain due to the absence of conclusive functional and genetic evidence.